The following is an entry in ClinVar:

NM_000059.4(BRCA2):c.3696del (p.Ala1233fs)

Gene: BRCA2 (BRCA2 DNA repair associated; plus strand). Cytogenetic location: 13q13.1.
Variant type: Deletion.
Coding change: c.3696del on transcript NM_000059.4 (MANE Select); coding-DNA position 3696, one base deleted (A; older notation c.3696delA).
Protein change: p.Ala1233fs; shifts the reading frame from alanine 1233.
Molecular consequence: frameshift variant.
Genome position (GRCh38, 1-based): chr13:32,338,051, A deleted; the last of 2 consecutive A bases (chr13:32,338,050-32,338,051); deleting either gives the same sequence. VCF-style (leftmost placement, unchanged base first): chr13-32338049-GA-G. GRCh37 (hg19) VCF-style: chr13-32912186-GA-G.
Other names: c.3696delA (NM_000059.3); short protein forms A1233fs.
Identifiers: ClinVar variation 665357 (VCV000665357.7), dbSNP rs1593900255, ClinGen allele CA915948455.

ClinVar aggregate classification (germline): Pathogenic (1 of 4 stars; one submission).

Conditions:
Hereditary breast ovarian cancer syndrome. Also called: BRCA1- and BRCA2-Associated Hereditary Breast and Ovarian Cancer; Breast and ovarian cancer; Hereditary breast and ovarian cancer syndrome (HBOC); Hereditary breast and ovarian cancer; Hereditary breast and ovarian cancer syndrome; Hereditary breast and/or ovarian cancer syndrome. Identifiers: Orphanet 145, MedGen C0677776, MeSH D061325, MONDO:0003582. Disease mechanism: loss of function.

Submission:

Labcorp Genetics (formerly Invitae), Labcorp
Classification: Pathogenic for Hereditary breast ovarian cancer syndrome. Last evaluated: 2018-12-05. Review status: criteria provided, single submitter. Criteria: Invitae Variant Classification Sherloc (09022015). Collection method: clinical testing. Allele origin: germline.
Comment: For these reasons, this variant has been classified as Pathogenic. Loss-of-function variants in BRCA2 are known to be pathogenic (PMID: 20104584). This variant has not been reported in the literature in individuals with BRCA2-related conditions. This variant is not present in population databases (ExAC no frequency). This sequence change creates a premature translational stop signal (p.Ala1233Leufs*6) in the BRCA2 gene. It is expected to result in an absent or disrupted protein product.

Literature cited by the submitters: PubMed 20104584.